The following is an entry in ClinVar:

ClinVar aggregate classification (germline): Uncertain significance (1 of 4 stars; one submission).

Conditions:
Epidermolysis bullosa simplex 3, localized or generalized intermediate, with BP230 deficiency (EBS3). Also called: Epidermolysis bullosa simplex, autosomal recessive 2; Epidermolysis bullosa simplex due to BP230 deficiency. Identifiers: Orphanet 412181, MedGen C3809470, MONDO:0014180, OMIM 615425.
Hereditary sensory and autonomic neuropathy type 6. Also called: Neuropathy, hereditary sensory and autonomic, type VI; HSAN VI. Identifiers: Orphanet 314381, MedGen C3539003, MONDO:0013839, OMIM 614653.

Allele frequency attached by ClinVar (database versions not stated): gnomAD exomes 0.00007 and 0.00014; gnomAD 0.00008 and 0.00013; TOPMed 0.00012; ExAC 0.00018; 1000 Genomes Project 0.00020; 1000 Genomes Project 30x 0.00047.
gnomAD v4.1: 128 of 1,613,782 alleles (0.0079%); highest among the groups gnomAD compares: East Asian, 0.24%; no homozygotes.

Submission:

Labcorp Genetics (formerly Invitae), Labcorp
Classification: Uncertain significance for Epidermolysis bullosa simplex 3, localized or generalized intermediate, with BP230 deficiency; Hereditary sensory and autonomic neuropathy type 6. Last evaluated: 2024-01-08. Review status: criteria provided, single submitter. Criteria: Invitae Variant Classification Sherloc (09022015). Collection method: clinical testing. Allele origin: germline.
Comment: The DST gene has multiple clinically relevant transcripts. This variant occurs in alternate transcript NM_015548.4, and corresponds to NM_001723.5:c.*85860G>A in the primary transcript. This sequence change replaces aspartic acid, which is acidic and polar, with asparagine, which is neutral and polar, at codon 3173 of the DST protein (p.Asp3173Asn). This variant is present in population databases (rs186699708, gnomAD 0.2%). This variant has not been reported in the literature in individuals affected with DST-related conditions. ClinVar contains an entry for this variant (Variation ID: 971106). Algorithms developed to predict the effect of missense changes on protein structure and function output the following: SIFT: "Not Available"; PolyPhen-2: "Not Available"; Align-GVGD: "Not Available". The asparagine amino acid residue is found in multiple mammalian species, which suggests that this missense change does not adversely affect protein function. In summary, the available evidence is currently insufficient to determine the role of this variant in disease. Therefore, it has been classified as a Variant of Uncertain Significance.

NM_001374736.1(DST):c.17386G>A (p.Asp5796Asn)

Gene: DST (dystonin; minus strand). Cytogenetic location: 6p12.1.
Variant type: single nucleotide variant.
Coding change: c.17386G>A on transcript NM_001374736.1 (MANE Select); coding-DNA position 17386, G replaced by A.
Protein change: p.Asp5796Asn; replaces aspartic acid 5796 with asparagine.
Molecular consequence: missense variant. On other transcripts: intron variant (2).
Genome position (GRCh38, 1-based): chr6:56,529,657, C>T on the plus strand (G>A on the coding strand, the complement: DST is on the minus strand). VCF-style: chr6-56529657-C-T. GRCh37 (hg19) VCF-style: chr6-56394455-C-T.
Other names: c.11029G>A, p.Asp3677Asn (NM_001144769.5); c.10615G>A, p.Asp3539Asn (NM_001144770.2); c.17386G>A, p.Asp5796Asn (NM_001374722.1); c.17413G>A, p.Asp5805Asn (NM_001374734.1); c.9517G>A, p.Asp3173Asn (NM_015548.5); c.10495G>A, p.Asp3499Asn (NM_183380.4); c.10377+317G>A (NM_001374730.1); c.16635+317G>A (NM_001374729.1); short protein forms D3539N, D5796N, D5805N, D3499N, D3677N, D3173N.
Identifiers: ClinVar variation 971106 (VCV000971106.8), dbSNP rs186699708, ClinGen allele CA3867441.
Genomic context (GRCh38, chr6:56,529,657, plus strand): 5'-GGAGCTCAGACCTGCTGTGACTTTTCTCTTGAATCTCAATGTACCATACTTGAGAGAAGT[C>T]TAATTTACTCTGCACCATATCTTTATCCTCCCTGGAGCTCAAAACCTTTAAGGACTGGCC-3'
Protein context (NP_001361665.1, residues 5786-5806): EDKDMVQSKL[Asp5796Asn]FSQVWYIEIQ